The following is an entry in ClinVar:

NM_001291303.3(FAT4):c.10188C>T (p.Thr3396=)

Gene: FAT4 (FAT atypical cadherin 4; plus strand). Cytogenetic location: 4q28.1.
Variant type: single nucleotide variant.
Coding change: c.10188C>T on transcript NM_001291303.3 (MANE Select); coding-DNA position 10188, C replaced by T.
Protein change: p.Thr3396=; no amino-acid change (threonine 3396 retained).
Molecular consequence: synonymous variant.
Genome position (GRCh38, 1-based): chr4:125,451,198, C>T. VCF-style: chr4-125451198-C-T. GRCh37 (hg19) VCF-style: chr4-126372353-C-T.
Other names: c.10188C>T, p.Thr3396= (NM_001291285.3); c.10182C>T, p.Thr3394= (NM_024582.6).
Identifiers: ClinVar variation 3031275 (VCV003031275.4), dbSNP rs771506746, ClinGen allele CA3073647.

ClinVar aggregate classification (germline): Likely benign. Review status: criteria provided, single submitter (1 of 4 stars). 2 submissions from 2 submitters: Likely benign (1). 1 of the submissions does not count toward it. Last evaluated 2025-12-01.

Conditions:
FAT4-related disorder. Also called: FAT4-related condition.

Allele frequency attached by ClinVar (database versions not stated): gnomAD 0.00003; TOPMed 0.00001.
gnomAD v4.1: 24 of 1,613,904 alleles (0.0015%); highest among the groups gnomAD compares: East Asian, 0.02%; no homozygotes.

Submissions (2):

Labcorp Genetics (formerly Invitae), Labcorp
Classification: Likely benign. Last evaluated: 2025-12-01. Review status: criteria provided, single submitter. Criteria: Invitae Variant Classification Sherloc (09022015). Collection method: clinical testing. Allele origin: germline.

PreventionGenetics, part of Exact Sciences
Classification: Likely benign for FAT4-related condition. Last evaluated: 2021-04-06. Review status: no assertion criteria provided. Collection method: clinical testing. Allele origin: germline. Not counted in ClinVar's aggregate classification.
Comment: This variant is classified as likely benign based on ACMG/AMP sequence variant interpretation guidelines (Richards et al. 2015 PMID: 25741868, with internal and published modifications).